The following is an entry in ClinVar:

NM_000051.4(ATM):c.4547A>G (p.His1516Arg)

Gene: ATM (ATM serine/threonine kinase; plus strand). Cytogenetic location: 11q22.3.
Variant type: single nucleotide variant.
Coding change: c.4547A>G on transcript NM_000051.4 (MANE Select); coding-DNA position 4547, A replaced by G.
Protein change: p.His1516Arg; replaces histidine 1516 with arginine.
Molecular consequence: missense variant.
Genome position (GRCh38, 1-based): chr11:108,292,729, A>G. VCF-style: chr11-108292729-A-G. GRCh37 (hg19) VCF-style: chr11-108163456-A-G.
Other names: c.4547A>G, p.His1516Arg (NM_001351834.2); short protein forms H1516R.
Identifiers: ClinVar variation 631235 (VCV000631235.18), dbSNP rs1565461434, ClinGen allele CA382533798.

ClinVar aggregate classification (germline): Uncertain significance. Review status: criteria provided, multiple submitters, no conflicts (2 of 4 stars). 4 submissions from 4 submitters: Uncertain significance (4). Last evaluated 2024-03-06.

Conditions:
Familial cancer of breast. Also called: BREAST CANCER, FAMILIAL; hereditary breast carcinoma; Hereditary breast cancer. Identifiers: Orphanet 227535, MedGen C0346153, MONDO:0016419, OMIM 114480. Disease mechanism: loss of function.
Ataxia-telangiectasia syndrome (AT). Also called: Ataxia-telangiectasia, complementation group D; AT, COMPLEMENTATION GROUP C; Ataxia-telangiectasia; ATAXIA-TELANGIECTASIA, COMPLEMENTATION GROUP A; ATAXIA-TELANGIECTASIA, FRESNO VARIANT; LOUIS-BAR SYNDROME. Identifiers: Orphanet 100, MedGen C0004135, MONDO:0008840, OMIM 208900.
Hereditary cancer-predisposing syndrome. Also called: Hereditary Cancer Syndrome; Neoplastic Syndromes, Hereditary; Tumor predisposition; Hereditary neoplastic syndrome. Identifiers: Orphanet 140162, MedGen C0027672, MeSH D009386, MONDO:0015356.

Allele frequency attached by ClinVar (database versions not stated): gnomAD exomes below 0.00001.
gnomAD v4.1: 1 of 1,614,092 alleles (0.000062%); highest among the groups gnomAD compares: Non-Finnish European, 0.000085%; no homozygotes.

Submissions (4):

Color Diagnostics, LLC DBA Color Health
Classification: Uncertain significance for Hereditary cancer-predisposing syndrome. Last evaluated: 2024-03-06. Review status: criteria provided, single submitter. Criteria: ACMG Guidelines, 2015. Collection method: clinical testing. Allele origin: germline.
Comment: This missense variant replaces histidine with arginine at codon 1516 of the ATM protein. Computational prediction suggests that this variant may have deleterious impact on protein structure and function (internally defined REVEL score threshold >= 0.7, PMID: 27666373). To our knowledge, functional studies have not been reported for this variant. This variant has not been reported in individuals affected with hereditary cancer in the literature. This variant has not been identified in the general population by the Genome Aggregation Database (gnomAD). The available evidence is insufficient to determine the role of this variant in disease conclusively. Therefore, this variant is classified as a Variant of Uncertain Significance.

Labcorp Genetics (formerly Invitae), Labcorp
Classification: Uncertain significance for Ataxia-telangiectasia syndrome. Last evaluated: 2023-05-15. Review status: criteria provided, single submitter. Criteria: Invitae Variant Classification Sherloc (09022015). Collection method: clinical testing. Allele origin: germline.
Comment: This sequence change replaces histidine, which is basic and polar, with arginine, which is basic and polar, at codon 1516 of the ATM protein (p.His1516Arg). This variant is not present in population databases (gnomAD no frequency). This variant has not been reported in the literature in individuals affected with ATM-related conditions. ClinVar contains an entry for this variant (Variation ID: 631235). An algorithm developed to predict the effect of missense changes on protein structure and function (PolyPhen-2) suggests that this variant is likely to be disruptive. In summary, the available evidence is currently insufficient to determine the role of this variant in disease. Therefore, it has been classified as a Variant of Uncertain Significance.

Ambry Genetics
Classification: Uncertain significance for Hereditary cancer-predisposing syndrome. Last evaluated: 2023-04-09. Review status: criteria provided, single submitter. Criteria: Ambry Variant Classification Scheme 2023. Collection method: clinical testing. Allele origin: germline.
Comment: The p.H1516R variant (also known as c.4547A>G), located in coding exon 29 of the ATM gene, results from an A to G substitution at nucleotide position 4547. The histidine at codon 1516 is replaced by arginine, an amino acid with highly similar properties. This amino acid position is highly conserved in available vertebrate species. In addition, this alteration is predicted to be deleterious by in silico analysis. Since supporting evidence is limited at this time, the clinical significance of this alteration remains unclear.

Department of Pathology and Laboratory Medicine, Sinai Health System
Classification: Uncertain significance for Familial cancer of breast. Last evaluated: 2022-07-14. Review status: criteria provided, single submitter. Criteria: ACMG Guidelines, 2015. Collection method: clinical testing. Allele origin: germline. Affected: yes.